The following is an entry in ClinVar:

NM_003824.4(FADD):c.65A>C (p.Glu22Ala)

Gene: FADD (Fas associated via death domain; plus strand). Cytogenetic location: 11q13.3.
Variant type: single nucleotide variant.
Coding change: c.65A>C on transcript NM_003824.4 (MANE Select); coding-DNA position 65, A replaced by C.
Protein change: p.Glu22Ala; replaces glutamic acid 22 with alanine.
Molecular consequence: missense variant.
Genome position (GRCh38, 1-based): chr11:70,203,524, A>C. VCF-style: chr11-70203524-A-C. GRCh37 (hg19) VCF-style: chr11-70049630-A-C.
Other names: short protein forms E22A.
Identifiers: ClinVar variation 3642799 (VCV003642799.2).

ClinVar aggregate classification (germline): Uncertain significance (1 of 4 stars; one submission).

Conditions:
FADD-related immunodeficiency. Also called: Infections, recurrent, with encephalopathy, hepatic dysfunction, and cardiovascular malformations; FADD DEFICIENCY. Identifiers: Orphanet 306550, MedGen C3151062, MONDO:0013408, OMIM 613759.

Submission:

Labcorp Genetics (formerly Invitae), Labcorp
Classification: Uncertain significance for FADD-related immunodeficiency. Last evaluated: 2024-02-23. Review status: criteria provided, single submitter. Criteria: Invitae Variant Classification Sherloc (09022015). Collection method: clinical testing. Allele origin: germline.
Comment: This sequence change replaces glutamic acid, which is acidic and polar, with alanine, which is neutral and non-polar, at codon 22 of the FADD protein (p.Glu22Ala). This variant is not present in population databases (gnomAD no frequency). This variant has not been reported in the literature in individuals affected with FADD-related conditions. An algorithm developed to predict the effect of missense changes on protein structure and function (PolyPhen-2) suggests that this variant is likely to be disruptive. In summary, the available evidence is currently insufficient to determine the role of this variant in disease. Therefore, it has been classified as a Variant of Uncertain Significance.